The following is an entry in ClinVar:

ClinVar aggregate classification (germline): Uncertain significance. Review status: criteria provided, multiple submitters, no conflicts (2 of 4 stars). 2 submissions from 2 submitters: Uncertain significance (2). Last evaluated 2024-12-04.

Conditions:
Inborn genetic diseases. Identifiers: MedGen C0950123, MeSH D030342.
Hyperphosphatasia with intellectual disability syndrome 5 (GPIBD11). Also called: GLYCOSYLPHOSPHATIDYLINOSITOL BIOSYNTHESIS DEFECT 11. Identifiers: Orphanet 247262, MedGen C4014958, MONDO:0014457, OMIM 616025.

Allele frequency attached by ClinVar (database versions not stated): gnomAD exomes below 0.00001; ExAC 0.00001; TOPMed 0.00002; ESP Exome Variant Server 0.00008; gnomAD 0.00002.
gnomAD v4.1: 6 of 1,614,090 alleles (0.00037%); highest among the groups gnomAD compares: African/African-American, 0.008%; no homozygotes.

Submissions (2):

Ambry Genetics
Classification: Uncertain significance for Inborn genetic diseases. Last evaluated: 2024-12-04. Review status: criteria provided, single submitter. Criteria: Ambry Variant Classification Scheme 2023. Collection method: clinical testing. Allele origin: germline.

Labcorp Genetics (formerly Invitae), Labcorp
Classification: Uncertain significance for Hyperphosphatasia with intellectual disability syndrome 5. Last evaluated: 2022-02-09. Review status: criteria provided, single submitter. Criteria: Invitae Variant Classification Sherloc (09022015). Collection method: clinical testing. Allele origin: germline.
Comment: This sequence change replaces histidine, which is basic and polar, with tyrosine, which is neutral and polar, at codon 332 of the PIGW protein (p.His332Tyr). This variant is present in population databases (rs141448923, gnomAD 0.01%). This variant has not been reported in the literature in individuals affected with PIGW-related conditions. Algorithms developed to predict the effect of missense changes on protein structure and function output the following: SIFT: "Tolerated"; PolyPhen-2: "Benign"; Align-GVGD: "Class C0". The tyrosine amino acid residue is found in multiple mammalian species, which suggests that this missense change does not adversely affect protein function. In summary, the available evidence is currently insufficient to determine the role of this variant in disease. Therefore, it has been classified as a Variant of Uncertain Significance.

NM_001346754.2(PIGW):c.994C>T (p.His332Tyr)

Genes: MYO19 (myosin XIX; minus strand), PIGW (phosphatidylinositol glycan anchor biosynthesis class W; plus strand). Cytogenetic location: 17q12.
Variant type: single nucleotide variant.
Coding change: c.994C>T on transcript NM_001346754.2 (MANE Select); coding-DNA position 994, C replaced by T.
Protein change: p.His332Tyr; replaces histidine 332 with tyrosine.
Molecular consequence: missense variant.
Genome position (GRCh38, 1-based): chr17:36,538,095, C>T. VCF-style: chr17-36538095-C-T. GRCh37 (hg19) VCF-style: chr17-34893944-C-T.
Other names: c.994C>T, p.His332Tyr (NM_001346755.2, NM_178517.5); c.994C>T (NM_178517.3); short protein forms H332Y.
Identifiers: ClinVar variation 1437876 (VCV001437876.4), dbSNP rs141448923, ClinGen allele CA290116478.